The following is an entry in ClinVar:

NM_015570.4(AUTS2):c.2005-1G>A

Gene: AUTS2 (activator of transcription and developmental regulator AUTS2; plus strand). Cytogenetic location: 7q11.22.
Variant type: single nucleotide variant.
Coding change: c.2005-1G>A on transcript NM_015570.4 (MANE Select); the canonical splice acceptor site of the intron before coding-DNA position 2005, G replaced by A.
Molecular consequence: splice acceptor variant.
Genome position (GRCh38, 1-based): chr7:70,781,614, G>A. VCF-style: chr7-70781614-G-A. GRCh37 (hg19) VCF-style: chr7-70246600-G-A.
Other names: c.1933-1G>A (NM_001127231.3).
Identifiers: ClinVar variation 3776119 (VCV003776119.1).

ClinVar aggregate classification (germline): Likely pathogenic (1 of 4 stars; one submission).

Conditions:
Autism spectrum disorder due to AUTS2 deficiency (MRD26). Also called: INTELLECTUAL DEVELOPMENTAL DISORDER, AUTOSOMAL DOMINANT 26. Identifiers: Orphanet 352490, MedGen C4014435, MONDO:0014361, OMIM 615834.

Submission:

3billion
Classification: Likely pathogenic for Autism spectrum disorder due to AUTS2 deficiency. Last evaluated: 2024-04-17. Review status: criteria provided, single submitter. Criteria: ACMG Guidelines, 2015. Collection method: clinical testing. Allele origin: germline. Affected: yes.
Comment: The variant is not observed in the gnomAD v4.0.0 dataset. Predicted Consequence/Location: Canonical splice site: predicted to alter splicing and result in a loss or disruption of normal protein function. Multiple pathogenic loss-of-function variants are reported downstream of the variant. In silico tools predict the variant to alter splicing and produce an abnormal transcript [SpliceAI: 0.60 (spliceogenicity >=0.2, non-spliceogenicity <0.1)]. Therefore, this variant is classified as Likely pathogenic according to the recommendation of ACMG/AMP guideline.